The following is an entry in ClinVar:

ClinVar aggregate classification (germline): Pathogenic. Review status: reviewed by expert panel (3 of 4 stars). 17 submissions from 15 submitters: Pathogenic (1). 16 of the submissions do not count toward it. Last evaluated 2019-03-11.

Conditions:
Cystic fibrosis (CF). Also called: MUCOVISCIDOSIS. Identifiers: Orphanet 586, MedGen C0010674, MONDO:0009061, OMIM 219700. Disease mechanism: loss of function.
CFTR-related disorder (CFTR-RD). Also called: CFTR-related disorders; CFTR-related condition. Identifiers: MedGen C5924204, MONDO:7770004.
Congenital bilateral aplasia of vas deferens from CFTR mutation (CBAVD). Identifiers: Orphanet 48, MedGen C0403814, MONDO:0010178, OMIM 277180. Disease mechanism: loss of function.
Hereditary pancreatitis (PCTT). Also called: PRSS1-Related Hereditary Pancreatitis; Hereditary chronic pancreatitis. Identifiers: Orphanet 676, MedGen C0238339, MONDO:0008185, OMIM 167800.
Bronchiectasis with or without elevated sweat chloride 1 (BESC1). Also called: Cystic Fibrosis-Like Syndrome. Identifiers: Orphanet 60033, MedGen C2749757, MONDO:0008887, OMIM 211400.

Allele frequency attached by ClinVar (database versions not stated): gnomAD exomes 0.00001.

Submissions 1 to 10 of 17:

CFTR2
Classification: Pathogenic for Cystic fibrosis. Last evaluated: 2019-03-11. Review status: reviewed by expert panel. Criteria: Sosnay PR et al. (Nat Genet 2013). Collection method: research. Allele origin: germline. Affected: yes.

CeGaT Center for Human Genetics Tuebingen
Classification: Pathogenic. Last evaluated: 2026-03-01. Review status: criteria provided, single submitter. Criteria: CeGaT Center For Human Genetics Tuebingen Variant Classification Criteria Version 2. Collection method: clinical testing. Allele origin: germline. Affected: yes. Observed: 2 variant alleles. Not counted in ClinVar's aggregate classification.
Comment: CFTR: PM3:Very Strong, PM2, PP3, PS3:Supporting

Ambry Genetics
Classification: Pathogenic for Cystic fibrosis. Last evaluated: 2025-12-03. Review status: criteria provided, single submitter. Criteria: Ambry Variant Classification Scheme 2023. Collection method: clinical testing. Allele origin: germline. Not counted in ClinVar's aggregate classification.
Comment: The p.G126D pathogenic mutation (also known as c.377G>A), located in coding exon 4 of the CFTR gene, results from a G to A substitution at nucleotide position 377. The glycine at codon 126 is replaced by aspartic acid, an amino acid with similar properties. This variant has been identified in the homozygous state and/or in conjunction with other CFTR variant(s) in individual(s) with features consistent with cystic fibrosis (Wagner K et al. Hum. Hered.;44:56-7; Lucarelli M et al. Mol. Med., 2015 Apr;21:257-75). This variant has been reported in multiple individuals with an elevated sweat chloride level in The Clinical and Functional TRanslation of CFTR (CFTR2) database (available at CFTR2. Accessed 12/02/2025). This variant has <10% of wild type function in The Clinical and Functional TRanslation of CFTR (CFTR2) database (available at CFTR2. Accessed 12/02/2025). This amino acid position is highly conserved in available vertebrate species. In addition, this alteration is predicted to be deleterious by in silico analysis. Based on the supporting evidence, this variant is interpreted as a disease-causing mutation.

Natera, Inc.
Classification: Pathogenic for CFTR-related disorders. Last evaluated: 2025-10-04. Review status: criteria provided, single submitter. Criteria: Natera Variant Classification Schema (03/2026). Collection method: clinical testing. Allele origin: germline. Not counted in ClinVar's aggregate classification.
Comment: The c.377G>A variant in CFTR is a missense variant predicted to cause substitution of glycine to aspartic acid at amino acid 126. This variant is rare in the general population with a frequency below the threshold expected for the associated phenotype(s). This variant has been observed in one or more individuals affected with the associated recessive disease, as either homozygous or compound heterozygous with a second variant (PMID: 31523618, 25910067). Computational prediction algorithms indicate this variant is likely to affect gene or protein function. Given the available evidence, this variant is classified as Pathogenic.

Women's Health and Genetics/Laboratory Corporation of America, LabCorp
Classification: Pathogenic for Cystic fibrosis. Last evaluated: 2025-02-03. Review status: criteria provided, single submitter. Criteria: LabCorp Variant Classification Summary - May 2015. Collection method: clinical testing. Allele origin: germline. Not counted in ClinVar's aggregate classification.
Comment: Variant summary: CFTR c.377G>A (p.Gly126Asp) results in a non-conservative amino acid change located in the ABC transporter type 1, transmembrane domain (IPR011527) of the encoded protein sequence. Five of five in-silico tools predict a damaging effect of the variant on protein function. The variant allele was found at a frequency of 1.2e-05 in 250898 control chromosomes. c.377G>A has been reported in the literature as presumed or confirmed compound heterozygous genotypes in individuals affected with Cystic Fibrosis and/or Pseudo Bartters syndrome as well as in cohorts from the Canadian CFTR registry (e.g. Wagner_1994, Desai_2018, Terzik_2019, Palladino_2020, AnghelDelia_2024), in addition to settings of newborn screening (example, Lucarelli_2017, Salinas_2016). These data indicate that the variant is very likely to be associated with disease. At least one publication reports experimental evidence evaluating an impact on protein function. The most pronounced variant effect resulted in approximately 10% of normal chloride channel conductance relative to wild type (e.g. Bihler_2024). The following publications have been ascertained in the context of this evaluation (PMID: 39296431, 38388235, 11504857, 29944384, 28736296, 33195651, 27214204, 31523618, 8163293). ClinVar contains an entry for this variant (Variation ID: 53812). Based on the evidence outlined above, the variant was classified as pathogenic.

Johns Hopkins Genomics, Johns Hopkins University
Classification: Pathogenic for Cystic fibrosis. Last evaluated: 2024-12-17. Review status: criteria provided, single submitter. Criteria: ACMG Guidelines, 2015. Collection method: clinical testing. Allele origin: germline. Not counted in ClinVar's aggregate classification.
Comment: Disease-causing CFTR variant. See CFTR2 for phenotype information.

Labcorp Genetics (formerly Invitae), Labcorp
Classification: Pathogenic for Cystic fibrosis. Last evaluated: 2024-06-06. Review status: criteria provided, single submitter. Criteria: Invitae Variant Classification Sherloc (09022015). Collection method: clinical testing. Allele origin: germline. Not counted in ClinVar's aggregate classification.
Comment: This sequence change replaces glycine, which is neutral and non-polar, with aspartic acid, which is acidic and polar, at codon 126 of the CFTR protein (p.Gly126Asp). This variant is present in population databases (rs397508609, gnomAD 0.003%). This missense change has been observed in individuals with clinical feature of CFTR-related conditions (PMID: 8163293, 10439967, 23974870, 25042876, 27214204). ClinVar contains an entry for this variant (Variation ID: 53812). Advanced modeling of protein sequence and biophysical properties (such as structural, functional, and spatial information, amino acid conservation, physicochemical variation, residue mobility, and thermodynamic stability) performed at Invitae indicates that this missense variant is expected to disrupt CFTR protein function with a positive predictive value of 80%. For these reasons, this variant has been classified as Pathogenic.

GeneDx
Classification: Likely pathogenic. Last evaluated: 2024-05-17. Review status: criteria provided, single submitter. Criteria: GeneDx Variant Classification Process June 2021. Collection method: clinical testing. Allele origin: germline. Affected: yes. Not counted in ClinVar's aggregate classification.
Comment: Observed multiple times with a pathogenic variant in unrelated individuals with cystic fibrosis or CBAVD in published literature, but it is not known whether the variants occurred on the same (in cis) or on different (in trans) chromosomes in all cases (PMID: 28603918, 33195651, 27214204); Not observed at significant frequency in large population cohorts (gnomAD); In silico analysis supports that this missense variant has a deleterious effect on protein structure/function; This variant is associated with the following publications: (PMID: 23974870, 15463907, 11504857, 8163293, 28603918, 33195651, 28736296, 31523618, 29944384, 10439967, 34405919, 25910067, 27214204, 25042876)

Fulgent Genetics
Classification: Likely pathogenic for Hereditary pancreatitis; Bronchiectasis with or without elevated sweat chloride 1; Cystic fibrosis; Congenital bilateral aplasia of vas deferens from CFTR mutation. Last evaluated: 2024-05-04. Review status: criteria provided, single submitter. Criteria: ACMG Guidelines, 2015. Collection method: clinical testing. Allele origin: germline. Not counted in ClinVar's aggregate classification.

Baylor Genetics
Classification: Likely pathogenic for Bronchiectasis with or without elevated sweat chloride 1. Last evaluated: 2024-02-25. Review status: criteria provided, single submitter. Criteria: ACMG Guidelines, 2015. Collection method: clinical testing. Allele origin: unknown. Not counted in ClinVar's aggregate classification.

NM_000492.4(CFTR):c.377G>A (p.Gly126Asp)

Gene: CFTR (CF transmembrane conductance regulator; plus strand). Cytogenetic location: 7q31.2.
Variant type: single nucleotide variant.
Coding change: c.377G>A on transcript NM_000492.4 (MANE Select); coding-DNA position 377, G replaced by A.
Protein change: p.Gly126Asp; replaces glycine 126 with aspartic acid.
Molecular consequence: missense variant.
Genome position (GRCh38, 1-based): chr7:117,531,002, G>A. VCF-style: chr7-117531002-G-A. GRCh37 (hg19) VCF-style: chr7-117171056-G-A.
Other names: short protein forms G126D.
Identifiers: ClinVar variation 53812 (VCV000053812.48), dbSNP rs397508609, ClinGen allele CA327290.
Genomic context (GRCh38, chr7:117,531,002, plus strand): 5'-TAGCTTCCTATGACCCGGATAACAAGGAGGAACGCTCTATCGCGATTTATCTAGGCATAG[G>A]CTTATGCCTTCTCTTTATTGTGAGGACACTGCTCCTACACCCAGCCATTTTTGGCCTTCA-3'
Protein context (NP_000483.3, residues 116-136): ERSIAIYLGI[Gly126Asp]LCLLFIVRTL